The following is an entry in ClinVar:

ClinVar aggregate classification (germline): Uncertain significance (1 of 4 stars; one submission).

Submission:

GeneDx
Classification: Uncertain significance. Last evaluated: 2022-02-01. Review status: criteria provided, single submitter. Criteria: GeneDx Variant Classification Process June 2021. Collection method: clinical testing. Allele origin: germline. Affected: yes.
Comment: Not observed at significant frequency in large population cohorts (gnomAD); Frameshift variant predicted to result in protein truncation or nonsense mediated decay in a gene for which loss-of-function is not a known mechanism of disease; Has not been previously published as pathogenic or benign to our knowledge; Variants in candidate genes are classified as variants of uncertain significance in accordance with ACMG guidelines (Richards et al., 2015)

NM_001128.6(AP1G1):c.2024del (p.Pro675fs)

Gene: AP1G1 (adaptor related protein complex 1 subunit gamma 1; minus strand). Cytogenetic location: 16q22.2.
Variant type: Deletion.
Coding change: c.2024del on transcript NM_001128.6 (MANE Select); coding-DNA position 2024, one base deleted (C; older notation c.2024delC).
Protein change: p.Pro675fs; shifts the reading frame from proline 675.
Molecular consequence: frameshift variant.
Genome position (GRCh38, 1-based): chr16:71,739,317, G deleted on the plus strand (C on the coding strand, the reverse complement: AP1G1 is on the minus strand); the first of 4 consecutive G bases (chr16:71,739,317-71,739,320); deleting any one gives the same sequence. VCF-style (leftmost placement, unchanged base first): chr16-71739316-AG-A. GRCh37 (hg19) VCF-style: chr16-71773219-AG-A.
Other names: c.2033del, p.Pro678fs (NM_001030007.2); short protein forms P675fs, P678fs.
Identifiers: ClinVar variation 3253546 (VCV003253546.1), dbSNP rs2543500689.